The following is an entry in ClinVar:

ClinVar aggregate classification (germline): Likely benign. Review status: criteria provided, multiple submitters, no conflicts (2 of 4 stars). 2 submissions from 2 submitters: Likely benign (2). Last evaluated 2026-01-09.

Conditions:
LAMC1-related disorder. Also called: LAMC1-related condition.

Allele frequency attached by ClinVar (database versions not stated): 1000 Genomes Project 0.00160; 1000 Genomes Project 30x 0.00172; TOPMed 0.00181; gnomAD 0.00183; ESP Exome Variant Server 0.00200; ExAC 0.00219; gnomAD exomes 0.00296.
gnomAD v4.1: 4,544 of 1,614,204 alleles (0.28%); highest among the groups gnomAD compares: South Asian, 0.36%; 18 homozygotes.

Submissions (2):

PreventionGenetics, part of Exact Sciences
Classification: Likely benign for LAMC1-related condition. Last evaluated: 2026-01-09. Review status: criteria provided, single submitter. Criteria: ACMG Guidelines, 2015. Collection method: clinical testing. Allele origin: germline.
Comment: This variant is classified as likely benign based on ACMG/AMP sequence variant interpretation guidelines (Richards et al. 2015 PMID: 25741868, with internal and published modifications).

CeGaT Center for Human Genetics Tuebingen
Classification: Likely benign. Last evaluated: 2023-05-01. Review status: criteria provided, single submitter. Criteria: CeGaT Center For Human Genetics Tuebingen Variant Classification Criteria Version 2. Collection method: clinical testing. Allele origin: germline. Affected: yes. Observed: 1 variant allele.
Comment: LAMC1: BP4, BP7

NM_002293.4(LAMC1):c.2553G>A (p.Lys851=)

Gene: LAMC1 (laminin subunit gamma 1; plus strand). Cytogenetic location: 1q25.3.
Variant type: single nucleotide variant.
Coding change: c.2553G>A on transcript NM_002293.4 (MANE Select); coding-DNA position 2553, G replaced by A.
Protein change: p.Lys851=; no amino-acid change (lysine 851 retained).
Molecular consequence: synonymous variant.
Genome position (GRCh38, 1-based): chr1:183,124,782, G>A. VCF-style: chr1-183124782-G-A. GRCh37 (hg19) VCF-style: chr1-183093917-G-A.
Other names: c.2553G>A (NM_002293.3).
Identifiers: ClinVar variation 2639624 (VCV002639624.25), dbSNP rs61751707, ClinGen allele CA1281396.